The following is an entry in ClinVar:

ClinVar aggregate classification (germline): Conflicting classifications of pathogenicity. Review status: criteria provided, conflicting classifications (1 of 4 stars). 2 submissions from 2 submitters: Uncertain significance (1); Likely benign (1). Last evaluated 2026-01-02.

Conditions:
Cardiovascular phenotype. Identifiers: MedGen CN230736.
Capillary malformation-arteriovenous malformation syndrome. Also called: Capillary malformation-arteriovenous malformation. Identifiers: Orphanet 137667, MedGen C1842180, MONDO:0012016.

Allele frequency attached by ClinVar (database versions not stated): gnomAD 0.00001; TOPMed 0.00002; ExAC 0.00003; gnomAD exomes 0.00001.
gnomAD v4.1: 13 of 1,552,928 alleles (0.00084%); highest among the groups gnomAD compares: East Asian, 0.025%; no homozygotes.

Submissions (2):

Labcorp Genetics (formerly Invitae), Labcorp
Classification: Uncertain significance for Capillary malformation-arteriovenous malformation syndrome. Last evaluated: 2026-01-02. Review status: criteria provided, single submitter. Criteria: Invitae Variant Classification Sherloc (09022015). Collection method: clinical testing. Allele origin: germline.
Comment: This sequence change replaces glutamine, which is neutral and polar, with leucine, which is neutral and non-polar, at codon 359 of the RASA1 protein (p.Gln359Leu). This variant is present in population databases (rs746551717, gnomAD 0.01%). This variant has not been reported in the literature in individuals affected with RASA1-related conditions. ClinVar contains an entry for this variant (Variation ID: 960891). An algorithm developed to predict the effect of missense changes on protein structure and function (PolyPhen-2) suggests that this variant is likely to be tolerated. In summary, the available evidence is currently insufficient to determine the role of this variant in disease. Therefore, it has been classified as a Variant of Uncertain Significance.

Ambry Genetics
Classification: Likely benign for Cardiovascular phenotype. Last evaluated: 2024-01-17. Review status: criteria provided, single submitter. Criteria: Ambry Variant Classification Scheme 2023. Collection method: clinical testing. Allele origin: germline.

NM_002890.3(RASA1):c.1076A>T (p.Gln359Leu)

Genes: CCNH (cyclin H; minus strand), RASA1 (RAS p21 protein activator 1; plus strand). Cytogenetic location: 5q14.3.
Variant type: single nucleotide variant.
Coding change: c.1076A>T on transcript NM_002890.3 (MANE Select); coding-DNA position 1076, A replaced by T.
Protein change: p.Gln359Leu; replaces glutamine 359 with leucine.
Molecular consequence: missense variant. On other transcripts: intron variant (1).
Genome position (GRCh38, 1-based): chr5:87,346,698, A>T. VCF-style: chr5-87346698-A-T. GRCh37 (hg19) VCF-style: chr5-86642515-A-T.
Other names: c.545A>T, p.Gln182Leu (NM_022650.3); c.934-33903T>A (NM_001364075.2); short protein forms Q182L, Q359L.
Identifiers: ClinVar variation 960891 (VCV000960891.11), dbSNP rs746551717, ClinGen allele CA3335642.